The following is an entry in ClinVar:

NM_024312.5(GNPTAB):c.772-1G>T

Gene: GNPTAB (N-acetylglucosamine-1-phosphate transferase subunits alpha and beta; minus strand). Cytogenetic location: 12q23.2.
Variant type: single nucleotide variant.
Coding change: c.772-1G>T on transcript NM_024312.5 (MANE Select); the canonical splice acceptor site of the intron before coding-DNA position 772, G replaced by T.
Molecular consequence: splice acceptor variant.
Genome position (GRCh38, 1-based): chr12:101,771,158, C>A on the plus strand (G>T on the coding strand, the complement: GNPTAB is on the minus strand). VCF-style: chr12-101771158-C-A. GRCh37 (hg19) VCF-style: chr12-102164936-C-A.
Identifiers: ClinVar variation 2942913 (VCV002942913.3), dbSNP rs2137125146, ClinGen allele CA386303779.
Genomic context (GRCh38, chr12:101,771,158, plus strand): 5'-AAAATCCTTGGGGTTATTCAGTTTTAGAAGCGCTACACTGGCCTCTGAATACAACTGCAA[C>A]TATCAAATAACAAGAGGATTACACATGAAAAGACTGAATCTCAAGGATGAAGCACCTTTA-3'

ClinVar aggregate classification (germline): Likely pathogenic (1 of 4 stars; one submission).

Conditions:
Mucolipidosis type II. Also called: ML II ALPHA/BETA; Mucolipidosis 2; ML 2; Inclusion cell disease; Leroy Disease; N-acetylglucosamine 1phosphotransferase deficiency. Identifiers: Orphanet 576, MedGen C2673377, MONDO:0009650, OMIM 252500.
Pseudo-Hurler polydystrophy. Also called: ML III; ML III ALPHA/BETA; Type III Mucolipidosis; ML IIIA; Mucolipidosis III Alpha/Beta; MUCOLIPIDOSIS IIIA. Identifiers: Orphanet 423461, Orphanet 577, MedGen C0033788, MONDO:0018931, OMIM 252600.

Submission:

Labcorp Genetics (formerly Invitae), Labcorp
Classification: Likely pathogenic for Pseudo-Hurler polydystrophy; Mucolipidosis type II. Last evaluated: 2023-02-08. Review status: criteria provided, single submitter. Criteria: Invitae Variant Classification Sherloc (09022015). Collection method: clinical testing. Allele origin: germline.
Comment: Algorithms developed to predict the effect of sequence changes on RNA splicing suggest that this variant may disrupt the consensus splice site. In summary, the currently available evidence indicates that the variant is pathogenic, but additional data are needed to prove that conclusively. Therefore, this variant has been classified as Likely Pathogenic. This variant has not been reported in the literature in individuals affected with GNPTAB-related conditions. This variant is not present in population databases (gnomAD no frequency). This sequence change affects an acceptor splice site in intron 7 of the GNPTAB gene. It is expected to disrupt RNA splicing. Variants that disrupt the donor or acceptor splice site typically lead to a loss of protein function (PMID: 16199547), and loss-of-function variants in GNPTAB are known to be pathogenic (PMID: 19617216, 25107912).

Literature cited by the submitters: PubMed 16199547; PubMed 19617216; PubMed 25107912.